The following is an entry in ClinVar:

ClinVar aggregate classification (germline): Likely pathogenic. Review status: criteria provided, single submitter (1 of 4 stars). 2 submissions from 2 submitters: Likely pathogenic (1). 1 of the submissions does not count toward it. Last evaluated 2023-01-25.

Conditions:
Autosomal recessive congenital ichthyosis 1 (LI1). Also called: ICHTHYOSIS, CONGENITAL, AUTOSOMAL RECESSIVE 1, WITH BATHING SUIT DISTRIBUTION; ICHTHYOSIS, CONGENITAL, AUTOSOMAL RECESSIVE 1, WITH OR WITHOUT BATHING SUIT DISTRIBUTION; COLLODION FETUS; DESQUAMATION OF NEWBORN; ICHTHYOSIS CONGENITA; ICHTHYOSIS CONGENITA II. Identifiers: MedGen C4551630, MONDO:0009441, OMIM 242300.

Allele frequency attached by ClinVar (database versions not stated): gnomAD exomes below 0.00001.

Submissions (2):

Baylor Genetics
Classification: Likely pathogenic for Autosomal recessive congenital ichthyosis 1. Last evaluated: 2023-01-25. Review status: criteria provided, single submitter. Criteria: ACMG Guidelines, 2015. Collection method: clinical testing. Allele origin: unknown.

Department of Pathology and Laboratory Medicine, Sinai Health System
Classification: Likely pathogenic. Review status: no assertion criteria provided. Collection method: clinical testing. Allele origin: unknown. Affected: yes. Study: The Canadian Open Genetics Repository (COGR). Not counted in ClinVar's aggregate classification.
Comment: The TGM1 p.Q683* variant was not identified in the literature nor was it identified in dbSNP, ClinVar, LOVD 3.0 or in the following control databases: the 1000 Genomes Project, the NHLBI GO Exome Sequencing Project, or the Genome Aggregation Database (March 6, 2019, v2.1.1). The c.2047C>T variant leads to a premature stop codon at position 683 which is predicted to lead to a truncated or absent protein and loss of function. Loss of function variants of the TGM1 gene are an established mechanism of disease in autosomal recessive congenital ichthyosis and are the type of variant expected to cause the disorder when found in the homozygous or compound heterozygous state. The variant occurs outside of the splicing consensus sequence and in silico or computational prediction software programs (SpliceSiteFinder, MaxEntScan, NNSPLICE, GeneSplicer) do not predict a difference in splicing. In summary, based on the above information the clinical significance of this variant cannot be determined with certainty at this time although we would lean towards a more pathogenic role for this variant. This variant is classified as likely pathogenic.

NM_000359.3(TGM1):c.2047C>T (p.Gln683Ter)

Gene: TGM1 (transglutaminase 1; minus strand). Cytogenetic location: 14q12.
Variant type: single nucleotide variant.
Coding change: c.2047C>T on transcript NM_000359.3 (MANE Select); coding-DNA position 2047, C replaced by T.
Protein change: p.Gln683Ter; replaces glutamine 683 with a stop codon.
Molecular consequence: nonsense.
Genome position (GRCh38, 1-based): chr14:24,254,705, G>A on the plus strand (C>T on the coding strand, the complement: TGM1 is on the minus strand). VCF-style: chr14-24254705-G-A. GRCh37 (hg19) VCF-style: chr14-24723911-G-A.
Other names: short protein forms Q683*.
Identifiers: ClinVar variation 1049985 (VCV001049985.2), dbSNP rs2040730164, ClinGen allele CA389247402.